The following is an entry in ClinVar:

ClinVar aggregate classification (germline): Uncertain significance. Review status: criteria provided, single submitter (1 of 4 stars). 2 submissions from 2 submitters: Uncertain significance (1). 1 of the submissions does not count toward it. Last evaluated 2022-10-13.

Conditions:
Anauxetic dysplasia. Identifiers: Orphanet 93347, MedGen C1846796, MONDO:0011773.
Metaphyseal chondrodysplasia, McKusick type (CHH). Also called: Cartilage-hair hypoplasia; Cartilage-Hair Hypoplasia (CHH). Identifiers: Orphanet 175, MedGen C0220748, MONDO:0009595, OMIM 250250.

Allele frequency attached by ClinVar (database versions not stated): TOPMed 0.00004; gnomAD exomes 0.00021; ExAC 0.00110.

Submissions (2):

Labcorp Genetics (formerly Invitae), Labcorp
Classification: Uncertain significance for Anauxetic dysplasia. Last evaluated: 2022-10-13. Review status: criteria provided, single submitter. Criteria: Invitae Variant Classification Sherloc (09022015). Collection method: clinical testing. Allele origin: germline.
Comment: This variant occurs in the RMRP gene, which encodes an RNA molecule that does not result in a protein product. This variant is present in population databases (rs551655682, gnomAD 0.08%). This variant has been observed in individual(s) with clinical features of severe combined immunodeficiency (SCID) (PMID: 27484032). Experimental studies and prediction algorithms are not available or were not evaluated, and the functional significance of this variant is currently unknown. In summary, the available evidence is currently insufficient to determine the role of this variant in disease. Therefore, it has been classified as a Variant of Uncertain Significance.

Counsyl
Classification: Uncertain significance for Metaphyseal chondrodysplasia, McKusick type. Last evaluated: 2017-01-11. Review status: no assertion criteria provided. Collection method: clinical testing. Allele origin: unknown. Not counted in ClinVar's aggregate classification.

Literature cited by the submitters: PubMed 27484032 (cited by Labcorp Genetics (formerly Invitae), Labcorp and Counsyl).

NC_000009.12:g.35657749A>G

Gene: RMRP (RNA component of mitochondrial RNA processing endoribonuclease; minus strand). Cytogenetic location: 9p13.3.
Variant type: single nucleotide variant.
Genome position: GRCh38 VCF-style: chr9-35657749-A-G. GRCh37 (hg19) VCF-style: chr9-35657746-A-G.
Identifiers: ClinVar variation 550176 (VCV000550176.4), dbSNP rs551655682, ClinGen allele CA5045806.